The following is an entry in ClinVar:

ClinVar aggregate classification (germline): Uncertain significance (1 of 4 stars; one submission).

Conditions:
SEMA3G-related disorder. Also called: SEMA3G-related condition.

Allele frequency attached by ClinVar (database versions not stated): 1000 Genomes Project 30x 0.00016; 1000 Genomes Project 0.00020; ExAC 0.00027; TOPMed 0.00028; gnomAD 0.00029; gnomAD exomes 0.00032; ESP Exome Variant Server 0.00038.
gnomAD v4.1: 502 of 1,614,108 alleles (0.031%); highest among the groups gnomAD compares: Non-Finnish European, 0.038%; no homozygotes.

Submission:

PreventionGenetics, part of Exact Sciences
Classification: Uncertain significance for SEMA3G-related condition. Last evaluated: 2026-03-20. Review status: criteria provided, single submitter. Criteria: ACMG Guidelines, 2015. Collection method: clinical testing. Allele origin: germline.
Comment: The SEMA3G c.2161C>T variant is predicted to result in the amino acid substitution p.Arg721Trp. To our knowledge, this variant has not been reported in the literature. This variant is reported in 0.038% of alleles in individuals of European (Non-Finnish) descent in gnomAD. At this time, the clinical significance of this variant is uncertain due to the absence of conclusive functional and genetic evidence.

NM_020163.3(SEMA3G):c.2161C>T (p.Arg721Trp)

Gene: SEMA3G (semaphorin 3G; minus strand). Cytogenetic location: 3p21.1.
Variant type: single nucleotide variant.
Coding change: c.2161C>T on transcript NM_020163.3 (MANE Select); coding-DNA position 2161, C replaced by T.
Protein change: p.Arg721Trp; replaces arginine 721 with tryptophan.
Molecular consequence: missense variant.
Genome position (GRCh38, 1-based): chr3:52,435,791, G>A on the plus strand (C>T on the coding strand, the complement: SEMA3G is on the minus strand). VCF-style: chr3-52435791-G-A. GRCh37 (hg19) VCF-style: chr3-52469807-G-A.
Other names: short protein forms R721W.
Identifiers: ClinVar variation 2635892 (VCV002635892.4), dbSNP rs138427289, ClinGen allele CA2437706.